The following is an entry in ClinVar:

NM_000159.4(GCDH):c.801C>T (p.Asp267=)

Gene: GCDH (glutaryl-CoA dehydrogenase; plus strand). Cytogenetic location: 19p13.13.
Variant type: single nucleotide variant.
Coding change: c.801C>T on transcript NM_000159.4 (MANE Select); coding-DNA position 801, C replaced by T.
Protein change: p.Asp267=; no amino-acid change (aspartic acid 267 retained).
Molecular consequence: synonymous variant. On other transcripts: non-coding transcript variant (2).
Genome position (GRCh38, 1-based): chr19:12,896,370, C>T. VCF-style: chr19-12896370-C-T. GRCh37 (hg19) VCF-style: chr19-13007184-C-T.
Other names: p.Asp267=; c.801C>T, p.Asp267= (NM_013976.5); c.801C>T (NM_000159.2).
Identifiers: ClinVar variation 771832 (VCV000771832.16), dbSNP rs141293881, ClinGen allele CA9234493.

ClinVar aggregate classification (germline): Benign/Likely benign. Review status: criteria provided, multiple submitters, no conflicts (2 of 4 stars). 6 submissions from 6 submitters: Benign (2); Likely benign (3). 1 of the submissions does not count toward it. Last evaluated 2026-01-14.

Conditions:
Glutaric aciduria, type 1. Also called: Glutaricaciduria, type I; Glutaric Acidemia Type 1; GA I; Glutaric acidemia type I; Glutaryl-CoA dehydrogenase deficiency; Glutaricacidemia Type 1. Identifiers: Orphanet 25, MedGen C0268595, MONDO:0009281, OMIM 231670.
Inborn genetic diseases. Identifiers: MedGen C0950123, MeSH D030342.

Allele frequency attached by ClinVar (database versions not stated): gnomAD 0.00008 and 0.00018; TOPMed 0.00008; ESP Exome Variant Server 0.00015; gnomAD exomes 0.00030 and 0.00051; ExAC 0.00064; 1000 Genomes Project 30x 0.00094; 1000 Genomes Project 0.00100.
gnomAD v4.1: 475 of 1,614,050 alleles (0.029%); highest among the groups gnomAD compares: South Asian, 0.35%; 2 homozygotes.

Submissions (6):

Labcorp Genetics (formerly Invitae), Labcorp
Classification: Benign for Glutaric aciduria, type 1. Last evaluated: 2026-01-14. Review status: criteria provided, single submitter. Criteria: Invitae Variant Classification Sherloc (09022015). Collection method: clinical testing. Allele origin: germline.

Mayo Clinic Laboratories, Mayo Clinic
Classification: Likely benign. Last evaluated: 2025-08-05. Review status: criteria provided, single submitter. Criteria: ACMG Guidelines, 2015. Collection method: clinical testing. Allele origin: germline. Observed: 1 variant allele.
Comment: BS1, BP4, BP7

Blueprint Genetics
Classification: Likely benign. Last evaluated: 2024-11-27. Review status: criteria provided, single submitter. Criteria: ACMG Guidelines, 2015. Collection method: clinical testing. Allele origin: germline.

Ambry Genetics
Classification: Likely benign for Inborn genetic diseases. Last evaluated: 2023-07-24. Review status: criteria provided, single submitter. Criteria: Ambry Variant Classification Scheme 2023. Collection method: clinical testing. Allele origin: germline.

Breakthrough Genomics
Classification: Benign. Review status: criteria provided, single submitter. Criteria: ACMG Guidelines, 2015. Collection method: not provided. Allele origin: germline. Inheritance: Autosomal recessive inheritance. Affected: yes.

Natera, Inc.
Classification: Likely benign for Glutaric acidemia type 1. Last evaluated: 2019-12-12. Review status: no assertion criteria provided. Collection method: clinical testing. Allele origin: germline. Not counted in ClinVar's aggregate classification.